The following is an entry in ClinVar:

NM_000718.4(CACNA1B):c.2425A>G (p.Met809Val)

Gene: CACNA1B (calcium voltage-gated channel subunit alpha1 B; plus strand). Cytogenetic location: 9q34.3.
Variant type: single nucleotide variant.
Coding change: c.2425A>G on transcript NM_000718.4 (MANE Select); coding-DNA position 2425, A replaced by G.
Protein change: p.Met809Val; replaces methionine 809 with valine.
Molecular consequence: missense variant.
Genome position (GRCh38, 1-based): chr9:138,023,168, A>G. VCF-style: chr9-138023168-A-G. GRCh37 (hg19) VCF-style: chr9-140917620-A-G.
Other names: c.2425A>G, p.Met809Val (NM_001243812.2); short protein forms M809V.
Identifiers: ClinVar variation 2005517 (VCV002005517.4), dbSNP rs1353419781, ClinGen allele CA375809372.

ClinVar aggregate classification (germline): Uncertain significance (1 of 4 stars; one submission).

gnomAD v4.1: 1 of 1,533,764 alleles (0.000065%); highest among the groups gnomAD compares: Non-Finnish European, 0.000087%; no homozygotes.

Submission:

Labcorp Genetics (formerly Invitae), Labcorp
Classification: Uncertain significance. Last evaluated: 2022-06-13. Review status: criteria provided, single submitter. Criteria: Invitae Variant Classification Sherloc (09022015). Collection method: clinical testing. Allele origin: germline.
Comment: In summary, the available evidence is currently insufficient to determine the role of this variant in disease. Therefore, it has been classified as a Variant of Uncertain Significance. Advanced modeling of protein sequence and biophysical properties (such as structural, functional, and spatial information, amino acid conservation, physicochemical variation, residue mobility, and thermodynamic stability) performed at Invitae indicates that this missense variant is not expected to disrupt CACNA1B protein function. This variant has not been reported in the literature in individuals affected with CACNA1B-related conditions. This variant is not present in population databases (gnomAD no frequency). This sequence change replaces methionine, which is neutral and non-polar, with valine, which is neutral and non-polar, at codon 809 of the CACNA1B protein (p.Met809Val).